The following is an entry in ClinVar:

NM_000179.3(MSH6):c.3173-14C>T

Gene: MSH6 (mutS homolog 6; plus strand). Cytogenetic location: 2p16.3.
Variant type: single nucleotide variant.
Coding change: c.3173-14C>T on transcript NM_000179.3 (MANE Select); 14 bases into the intron before coding-DNA position 3173, C replaced by T.
Molecular consequence: intron variant.
Genome position (GRCh38, 1-based): chr2:47,803,406, C>T. VCF-style: chr2-47803406-C-T. GRCh37 (hg19) VCF-style: chr2-48030545-C-T.
Other names: c.3173-14C>T (NM_001406809.1, NM_001406796.1, NM_001406808.1 and 1 more transcripts); c.2267-14C>T (NM_001406811.1, NM_001406814.1, NM_001281493.2 and 6 more transcripts); c.2876-14C>T (NM_001406805.1, NM_001406797.1, NM_001406801.1 and 10 more transcripts); c.3269-14C>T (NM_001406795.1, NM_001406802.1); c.3179-14C>T (NM_001406813.1); c.2648-14C>T (NM_001406807.1, NM_001406799.1, NM_001406806.1); c.3173-188C>T (NM_001406798.1); c.2309-14C>T (NM_001406803.1); and 7 more.
Identifiers: ClinVar variation 3706210 (VCV003706210.3).

ClinVar aggregate classification (germline): Likely benign. Review status: criteria provided, multiple submitters, no conflicts (2 of 4 stars). 2 submissions from 2 submitters: Likely benign (2). Last evaluated 2025-01-03.

Conditions:
Lynch syndrome 5 (LYNCH5). Also called: Hereditary non-polyposis colorectal cancer, type 5; Colorectal cancer, hereditary nonpolyposis, type 5. Identifiers: Orphanet 144, MedGen C1833477, MONDO:0013710, OMIM 614350. Disease mechanism: loss of function.
Hereditary nonpolyposis colorectal neoplasms. Identifiers: MedGen C0009405, MeSH D003123.

Submissions (2):

Myriad Genetics, Inc.
Classification: Likely benign for Lynch syndrome 5. Last evaluated: 2025-01-03. Review status: criteria provided, single submitter. Criteria: Myriad Autosomal Dominant, Autosomal Recessive and X-Linked Classification Criteria (2023). Collection method: clinical testing. Allele origin: unknown.
Comment: This variant is considered likely benign. This variant is intronic and is not expected to impact mRNA splicing.

Labcorp Genetics (formerly Invitae), Labcorp
Classification: Likely benign for Hereditary nonpolyposis colorectal neoplasms. Last evaluated: 2024-09-03. Review status: criteria provided, single submitter. Criteria: Invitae Variant Classification Sherloc (09022015). Collection method: clinical testing. Allele origin: germline.